The following is an entry in ClinVar:

ClinVar aggregate classification (germline): Uncertain significance. Review status: criteria provided, multiple submitters, no conflicts (2 of 4 stars). 2 submissions from 2 submitters: Uncertain significance (2). Last evaluated 2024-10-22.

gnomAD v4.1: 7 of 1,613,524 alleles (0.00043%); highest among the groups gnomAD compares: Admixed American, 0.0083%; no homozygotes.

Submissions (2):

Labcorp Genetics (formerly Invitae), Labcorp
Classification: Uncertain significance. Last evaluated: 2024-10-22. Review status: criteria provided, single submitter. Criteria: Invitae Variant Classification Sherloc (09022015). Collection method: clinical testing. Allele origin: germline.
Comment: This sequence change falls in intron 29 of the COL9A1 gene. It does not directly change the encoded amino acid sequence of the COL9A1 protein. It affects a nucleotide within the consensus splice site. This variant is not present in population databases (gnomAD no frequency). This variant has not been reported in the literature in individuals affected with COL9A1-related conditions. ClinVar contains an entry for this variant (Variation ID: 1369584). Variants that disrupt the consensus splice site are a relatively common cause of aberrant splicing (PMID: 17576681, 9536098). Algorithms developed to predict the effect of sequence changes on RNA splicing suggest that this variant may create or strengthen a splice site. In summary, the available evidence is currently insufficient to determine the role of this variant in disease. Therefore, it has been classified as a Variant of Uncertain Significance.

Blueprint Genetics
Classification: Uncertain significance. Last evaluated: 2021-12-16. Review status: criteria provided, single submitter. Criteria: ACMG Guidelines, 2015. Collection method: clinical testing. Allele origin: germline.

Literature cited by the submitters: PubMed 17576681 (cited by Labcorp Genetics (formerly Invitae), Labcorp); PubMed 9536098 (cited by Labcorp Genetics (formerly Invitae), Labcorp).

NM_001851.6(COL9A1):c.1926+6T>C

Gene: COL9A1 (collagen type IX alpha 1 chain; minus strand). Cytogenetic location: 6q13.
Variant type: single nucleotide variant.
Coding change: c.1926+6T>C on transcript NM_001851.6 (MANE Select); 6 bases into the intron after coding-DNA position 1926, T replaced by C.
Molecular consequence: intron variant.
Genome position (GRCh38, 1-based): chr6:70,242,656, A>G on the plus strand (T>C on the coding strand, the complement: COL9A1 is on the minus strand). VCF-style: chr6-70242656-A-G. GRCh37 (hg19) VCF-style: chr6-70952359-A-G.
Other names: c.1197+6T>C (NM_001377290.1, NM_078485.4); c.1227+6T>C (NM_001377289.1).
Identifiers: ClinVar variation 1369584 (VCV001369584.6), dbSNP rs372289111, ClinGen allele CA2573141087.